The following is an entry in ClinVar:

NM_014806.5(RUSC2):c.2503A>G (p.Lys835Glu)

Gene: RUSC2 (RUN and SH3 domain containing 2; plus strand). Cytogenetic location: 9p13.3.
Variant type: single nucleotide variant.
Coding change: c.2503A>G on transcript NM_014806.5 (MANE Select); coding-DNA position 2503, A replaced by G.
Protein change: p.Lys835Glu; replaces lysine 835 with glutamic acid.
Molecular consequence: missense variant. On other transcripts: 5 prime UTR variant (1), non-coding transcript variant (1).
Genome position (GRCh38, 1-based): chr9:35,555,548, A>G. VCF-style: chr9-35555548-A-G. GRCh37 (hg19) VCF-style: chr9-35555545-A-G.
Other names: c.2503A>G, p.Lys835Glu (NM_001135999.2); c.-132A>G (NM_001330740.2); c.2503A>G (NM_001135999.1); short protein forms K835E.
Identifiers: ClinVar variation 1365097 (VCV001365097.5), dbSNP rs200089438, ClinGen allele CA5043880.

ClinVar aggregate classification (germline): Uncertain significance. Review status: criteria provided, multiple submitters, no conflicts (2 of 4 stars). 2 submissions from 2 submitters: Uncertain significance (2). Last evaluated 2025-08-20.

Allele frequency attached by ClinVar (database versions not stated): gnomAD 0.00002 and 0.00003; ExAC 0.00003; gnomAD exomes 0.00003 and 0.00005; TOPMed 0.00004; ESP Exome Variant Server 0.00008.
gnomAD v4.1: 72 of 1,613,980 alleles (0.0045%); highest among the groups gnomAD compares: Non-Finnish European, 0.0057%; no homozygotes.

Submissions (2):

Ambry Genetics
Classification: Uncertain significance. Last evaluated: 2025-08-20. Review status: criteria provided, single submitter. Criteria: Ambry Variant Classification Scheme 2023. Collection method: clinical testing. Allele origin: germline.

Labcorp Genetics (formerly Invitae), Labcorp
Classification: Uncertain significance. Last evaluated: 2022-07-12. Review status: criteria provided, single submitter. Criteria: Invitae Variant Classification Sherloc (09022015). Collection method: clinical testing. Allele origin: germline.
Comment: This sequence change replaces lysine, which is basic and polar, with glutamic acid, which is acidic and polar, at codon 835 of the RUSC2 protein (p.Lys835Glu). This variant is present in population databases (rs200089438, gnomAD 0.007%). This variant has not been reported in the literature in individuals affected with RUSC2-related conditions. ClinVar contains an entry for this variant (Variation ID: 1365097). Algorithms developed to predict the effect of missense changes on protein structure and function (SIFT, PolyPhen-2, Align-GVGD) all suggest that this variant is likely to be tolerated. In summary, the available evidence is currently insufficient to determine the role of this variant in disease. Therefore, it has been classified as a Variant of Uncertain Significance.